The following is an entry in ClinVar:

ClinVar aggregate classification (germline): Conflicting classifications of pathogenicity. Review status: criteria provided, conflicting classifications (1 of 4 stars). 2 submissions from 2 submitters: Uncertain significance (1); Likely benign (1). Last evaluated 2025-05-01.

Conditions:
Hereditary cancer-predisposing syndrome. Also called: Hereditary neoplastic syndrome; Neoplastic Syndromes, Hereditary; Tumor predisposition; Hereditary Cancer Syndrome. Identifiers: Orphanet 140162, MedGen C0027672, MeSH D009386, MONDO:0015356.
Familial cancer of breast. Also called: BREAST CANCER, FAMILIAL; Hereditary breast cancer; hereditary breast carcinoma. Identifiers: Orphanet 227535, MedGen C0346153, MONDO:0016419, OMIM 114480. Disease mechanism: loss of function.

Submissions (2):

Ambry Genetics
Classification: Likely benign for Hereditary cancer-predisposing syndrome. Last evaluated: 2025-05-01. Review status: criteria provided, single submitter. Criteria: Ambry Variant Classification Scheme 2023. Collection method: clinical testing. Allele origin: germline.

Labcorp Genetics (formerly Invitae), Labcorp
Classification: Uncertain significance for Familial cancer of breast. Last evaluated: 2022-04-13. Review status: criteria provided, single submitter. Criteria: Invitae Variant Classification Sherloc (09022015). Collection method: clinical testing. Allele origin: germline.
Comment: This sequence change replaces aspartic acid, which is acidic and polar, with glycine, which is neutral and non-polar, at codon 89 of the PALB2 protein (p.Asp89Gly). This variant is not present in population databases (gnomAD no frequency). This variant has not been reported in the literature in individuals affected with PALB2-related conditions. ClinVar contains an entry for this variant (Variation ID: 184918). Algorithms developed to predict the effect of missense changes on protein structure and function output the following: SIFT: "Tolerated"; PolyPhen-2: "Benign"; Align-GVGD: "Class C0". The glycine amino acid residue is found in multiple mammalian species, which suggests that this missense change does not adversely affect protein function. In summary, the available evidence is currently insufficient to determine the role of this variant in disease. Therefore, it has been classified as a Variant of Uncertain Significance.

NM_024675.4(PALB2):c.266A>G (p.Asp89Gly)

Gene: PALB2 (partner and localizer of BRCA2; minus strand). Cytogenetic location: 16p12.2.
Variant type: single nucleotide variant.
Coding change: c.266A>G on transcript NM_024675.4 (MANE Select); coding-DNA position 266, A replaced by G.
Protein change: p.Asp89Gly; replaces aspartic acid 89 with glycine.
Molecular consequence: missense variant.
Genome position (GRCh38, 1-based): chr16:23,636,280, T>C on the plus strand (A>G on the coding strand, the complement: PALB2 is on the minus strand). VCF-style: chr16-23636280-T-C. GRCh37 (hg19) VCF-style: chr16-23647601-T-C.
Other names: short protein forms D89G.
Identifiers: ClinVar variation 184918 (VCV000184918.9), dbSNP rs786201790, ClinGen allele CA190463.
Genomic context (GRCh38, chr16:23,636,280, plus strand): 5'-GGGTTAAAGGACTCAGGCCCAACATCAAGTGTGATAGATGTCTTTTCTCCAGTTTCTTCA[T>C]CAAGATGGGTTTTGATGTGTAACTTGTCATAAACACATATTTTATTTTTAGGTTCTGAGG-3'
Protein context (NP_078951.2, residues 79-99): YDKLHIKTHL[Asp89Gly]EETGEKTSIT